The following is an entry in ClinVar:

ClinVar aggregate classification (germline): Uncertain significance. Review status: criteria provided, multiple submitters, no conflicts (2 of 4 stars). 6 submissions from 6 submitters: Uncertain significance (3). 3 of the submissions do not count toward it. Last evaluated 2024-02-20.

Conditions:
Bardet-Biedl syndrome (BBS). Identifiers: Orphanet 110, MedGen C0752166, MONDO:0015229.
Bardet-Biedl syndrome 9 (BBS9). Identifiers: Orphanet 110, MedGen C1859567, MONDO:0014437, OMIM 615986.
BBS9-related disorder. Also called: BBS9-related condition.

Allele frequency attached by ClinVar (database versions not stated): ExAC 0.00007; TOPMed 0.00010; gnomAD exomes 0.00012; gnomAD 0.00019 and 0.00021.
gnomAD v4.1: 91 of 1,611,440 alleles (0.0056%); highest among the groups gnomAD compares: Admixed American, 0.073%; no homozygotes.

Submissions (6):

Fulgent Genetics
Classification: Uncertain significance for Bardet-Biedl syndrome 9. Last evaluated: 2024-02-20. Review status: criteria provided, single submitter. Criteria: ACMG Guidelines, 2015. Collection method: clinical testing. Allele origin: germline.

Labcorp Genetics (formerly Invitae), Labcorp
Classification: Uncertain significance for Bardet-Biedl syndrome. Last evaluated: 2023-11-27. Review status: criteria provided, single submitter. Criteria: Invitae Variant Classification Sherloc (09022015). Collection method: clinical testing. Allele origin: germline.
Comment: This sequence change replaces proline, which is neutral and non-polar, with leucine, which is neutral and non-polar, at codon 520 of the BBS9 protein (p.Pro520Leu). This variant is present in population databases (rs769669385, gnomAD 0.05%). This variant has not been reported in the literature in individuals affected with BBS9-related conditions. ClinVar contains an entry for this variant (Variation ID: 638414). Advanced modeling of protein sequence and biophysical properties (such as structural, functional, and spatial information, amino acid conservation, physicochemical variation, residue mobility, and thermodynamic stability) performed at Invitae indicates that this missense variant is not expected to disrupt BBS9 protein function with a negative predictive value of 80%. In summary, the available evidence is currently insufficient to determine the role of this variant in disease. Therefore, it has been classified as a Variant of Uncertain Significance.

Genomic Research Center, Shahid Beheshti University of Medical Sciences
Classification: Uncertain significance. Last evaluated: 2019-04-27. Review status: criteria provided, single submitter. Criteria: ACMG Guidelines, 2015. Collection method: clinical testing. Allele origin: unknown. Affected: no.

PreventionGenetics, part of Exact Sciences
Classification: Uncertain significance for BBS9-related condition. Last evaluated: 2024-08-26. Review status: no assertion criteria provided. Collection method: clinical testing. Allele origin: germline. Not counted in ClinVar's aggregate classification.
Comment: The BBS9 c.1559C>T variant is predicted to result in the amino acid substitution p.Pro520Leu. To our knowledge, this variant has not been reported in the literature. This variant is reported in 0.051% of alleles in individuals of Latino descent in gnomAD. Although we suspect that this variant may be benign, at this time, the clinical significance of this variant is uncertain due to the absence of conclusive functional and genetic evidence.

Clinical Genetics, Academic Medical Center
Classification: Uncertain significance. Review status: no assertion criteria provided. Collection method: clinical testing. Allele origin: germline. Affected: yes. Study: VKGL Data-share Consensus. Not counted in ClinVar's aggregate classification.

Joint Genome Diagnostic Labs from Nijmegen and Maastricht, Radboudumc and MUMC+
Classification: Uncertain significance. Review status: no assertion criteria provided. Collection method: clinical testing. Allele origin: germline. Affected: yes. Study: VKGL Data-share Consensus. Not counted in ClinVar's aggregate classification.

NM_198428.3(BBS9):c.1559C>T (p.Pro520Leu)

Gene: BBS9 (Bardet-Biedl syndrome 9; plus strand). Cytogenetic location: 7p14.3.
Variant type: single nucleotide variant.
Coding change: c.1559C>T on transcript NM_198428.3 (MANE Select); coding-DNA position 1559, C replaced by T.
Protein change: p.Pro520Leu; replaces proline 520 with leucine.
Molecular consequence: missense variant. On other transcripts: non-coding transcript variant (3).
Genome position (GRCh38, 1-based): chr7:33,357,861, C>T. VCF-style: chr7-33357861-C-T. GRCh37 (hg19) VCF-style: chr7-33397473-C-T.
Other names: c.1454C>T, p.Pro485Leu (NM_001033604.2); c.1544C>T, p.Pro515Leu (NM_001033605.2); c.1559C>T, p.Pro520Leu (NM_001348036.1, NM_001348041.4, NM_001348043.3 and 1 more transcripts); c.1193C>T, p.Pro398Leu (NM_001348037.3, NM_001348045.3, NM_001348046.3); c.1286C>T, p.Pro429Leu (NM_001348038.3); c.1181C>T, p.Pro394Leu (NM_001348039.3); c.1439C>T, p.Pro480Leu (NM_001348040.3, NM_014451.4); c.1424C>T, p.Pro475Leu (NM_001348042.3); and 1 more; short protein forms P520L, P363L, P398L, P485L, P475L, P515L, P394L, P429L.
Identifiers: ClinVar variation 638414 (VCV000638414.17), dbSNP rs769669385, ClinGen allele CA4214430.